The following is an entry in ClinVar:

ClinVar aggregate classification (germline): Uncertain significance. Review status: criteria provided, multiple submitters, no conflicts (2 of 4 stars). 2 submissions from 2 submitters: Uncertain significance (2). Last evaluated 2025-10-05.

Conditions:
Ullrich congenital muscular dystrophy 2 (UCMD2). Identifiers: Orphanet 75840, MedGen C4225314, MONDO:0014654, OMIM 616470.
Bethlem myopathy 2 (BTHLM2). Identifiers: Orphanet 536516, Orphanet 610, MedGen C4225313, MONDO:0034022, OMIM 616471.

Allele frequency attached by ClinVar (database versions not stated): gnomAD exomes below 0.00001; TOPMed below 0.00001.
gnomAD v4.1: 2 of 1,613,882 alleles (0.00012%); highest among the groups gnomAD compares: Admixed American, 0.0033%; no homozygotes.

Submissions (2):

Labcorp Genetics (formerly Invitae), Labcorp
Classification: Uncertain significance for Bethlem myopathy 2; Ullrich congenital muscular dystrophy 2. Last evaluated: 2025-10-05. Review status: criteria provided, single submitter. Criteria: Invitae Variant Classification Sherloc (09022015). Collection method: clinical testing. Allele origin: germline.
Comment: This sequence change replaces valine, which is neutral and non-polar, with methionine, which is neutral and non-polar, at codon 1527 of the COL12A1 protein (p.Val1527Met). This variant is not present in population databases (gnomAD no frequency). This variant has not been reported in the literature in individuals affected with COL12A1-related conditions. ClinVar contains an entry for this variant (Variation ID: 647383). Invitae Evidence Modeling of protein sequence and biophysical properties (such as structural, functional, and spatial information, amino acid conservation, physicochemical variation, residue mobility, and thermodynamic stability) indicates that this missense variant is not expected to disrupt COL12A1 protein function with a negative predictive value of 80%. In summary, the available evidence is currently insufficient to determine the role of this variant in disease. Therefore, it has been classified as a Variant of Uncertain Significance.

GeneDx
Classification: Uncertain significance. Last evaluated: 2020-03-06. Review status: criteria provided, single submitter. Criteria: GeneDx Variant Classification Process June 2021. Collection method: clinical testing. Allele origin: germline. Affected: yes.
Comment: Has not been previously published as pathogenic or benign to our knowledge; Not observed in large population cohorts (Lek et al., 2016); In silico analysis, which includes protein predictors and evolutionary conservation, supports that this variant does not alter protein structure/function

NM_004370.6(COL12A1):c.4579G>A (p.Val1527Met)

Gene: COL12A1 (collagen type XII alpha 1 chain; minus strand). Cytogenetic location: 6q13.
Variant type: single nucleotide variant.
Coding change: c.4579G>A on transcript NM_004370.6 (MANE Select); coding-DNA position 4579, G replaced by A.
Protein change: p.Val1527Met; replaces valine 1527 with methionine.
Molecular consequence: missense variant.
Genome position (GRCh38, 1-based): chr6:75,145,437, C>T on the plus strand (G>A on the coding strand, the complement: COL12A1 is on the minus strand). VCF-style: chr6-75145437-C-T. GRCh37 (hg19) VCF-style: chr6-75855153-C-T.
Other names: c.1087G>A, p.Val363Met (NM_080645.3); short protein forms V363M, V1527M.
Identifiers: ClinVar variation 647383 (VCV000647383.12), dbSNP rs1326246352, ClinGen allele CA364743209.